The following is an entry in ClinVar:

NM_020843.4(SCAPER):c.2393A>G (p.Asn798Ser)

Gene: SCAPER (S-phase cyclin A associated protein in the ER; minus strand). Cytogenetic location: 15q24.3.
Variant type: single nucleotide variant.
Coding change: c.2393A>G on transcript NM_020843.4 (MANE Select); coding-DNA position 2393, A replaced by G.
Protein change: p.Asn798Ser; replaces asparagine 798 with serine.
Molecular consequence: missense variant. On other transcripts: non-coding transcript variant (1).
Genome position (GRCh38, 1-based): chr15:76,702,857, T>C on the plus strand (A>G on the coding strand, the complement: SCAPER is on the minus strand). VCF-style: chr15-76702857-T-C. GRCh37 (hg19) VCF-style: chr15-76995198-T-C.
Other names: c.1655A>G, p.Asn552Ser (NM_001145923.2); c.2411A>G, p.Asn804Ser (NM_001353009.2); c.1991A>G, p.Asn664Ser (NM_001353010.2, NM_001353012.2); c.2009A>G, p.Asn670Ser (NM_001353011.2); c.2411A>G (NM_001353009.1); short protein forms N804S, N552S, N670S, N664S, N798S.
Identifiers: ClinVar variation 2230713 (VCV002230713.3), dbSNP rs370823304, ClinGen allele CA7674724.

ClinVar aggregate classification (germline): Uncertain significance. Review status: criteria provided, multiple submitters, no conflicts (2 of 4 stars). 2 submissions from 2 submitters: Uncertain significance (2). Last evaluated 2024-11-19.

Conditions:
SCAPER-related disorder. Also called: SCAPER-related condition.
Inborn genetic diseases. Identifiers: MedGen C0950123, MeSH D030342.

Allele frequency attached by ClinVar (database versions not stated): ExAC 0.00001; gnomAD 0.00001; gnomAD exomes 0.00001; TOPMed 0.00003; ESP Exome Variant Server 0.00008.
gnomAD v4.1: 14 of 1,603,386 alleles (0.00087%); highest among the groups gnomAD compares: African/African-American, 0.0054%; no homozygotes.

Submissions (2):

PreventionGenetics, part of Exact Sciences
Classification: Uncertain significance for SCAPER-related condition. Last evaluated: 2024-11-19. Review status: criteria provided, single submitter. Criteria: ACMG Guidelines, 2015. Collection method: clinical testing. Allele origin: germline.
Comment: The SCAPER c.2411A>G variant is predicted to result in the amino acid substitution p.Asn804Ser. To our knowledge, this variant has not been reported in the literature. This variant is reported in 0.0058% of alleles in individuals of East Asian descent in gnomAD. At this time, the clinical significance of this variant is uncertain due to the absence of conclusive functional and genetic evidence.

Ambry Genetics
Classification: Uncertain significance for Inborn genetic diseases. Last evaluated: 2021-05-24. Review status: criteria provided, single submitter. Criteria: Ambry Variant Classification Scheme 2023. Collection method: clinical testing. Allele origin: germline.